The following is an entry in ClinVar:

NM_032608.7(MYO18B):c.3824T>G (p.Val1275Gly)

Gene: MYO18B (myosin XVIIIB; plus strand). Cytogenetic location: 22q12.1.
Variant type: single nucleotide variant.
Coding change: c.3824T>G on transcript NM_032608.7 (MANE Select); coding-DNA position 3824, T replaced by G.
Protein change: p.Val1275Gly; replaces valine 1275 with glycine.
Molecular consequence: missense variant.
Genome position (GRCh38, 1-based): chr22:25,851,518, T>G. VCF-style: chr22-25851518-T-G. GRCh37 (hg19) VCF-style: chr22-26247485-T-G.
Other names: c.3827T>G, p.Val1276Gly (NM_001318245.2); short protein forms V1275G, V1276G.
Identifiers: ClinVar variation 1705091 (VCV001705091.1), dbSNP rs2090427617, ClinGen allele CA411002660.

ClinVar aggregate classification (germline): Uncertain significance (1 of 4 stars; one submission).

Submission:

Women's Health and Genetics/Laboratory Corporation of America, LabCorp
Classification: Uncertain significance. Last evaluated: 2022-08-12. Review status: criteria provided, single submitter. Criteria: LabCorp Variant Classification Summary - May 2015. Collection method: clinical testing. Allele origin: germline.
Comment: Variant summary: MYO18B c.3824T>G (p.Val1275Gly) results in a non-conservative amino acid change in the encoded protein sequence. Three of five in-silico tools predict a damaging effect of the variant on protein function. The variant was absent in 172698 control chromosomes. The available data on variant occurrences in the general population are insufficient to allow any conclusion about variant significance. To our knowledge, no occurrence of c.3824T>G in individuals affected with Klippel-Feil Anomaly-Myopathy Dysmorphism Syndrome and no experimental evidence demonstrating its impact on protein function have been reported. No clinical diagnostic laboratories have submitted clinical-significance assessments for this variant to ClinVar after 2014. Based on the evidence outlined above, the variant was classified as uncertain significance.